The following is an entry in ClinVar:

NM_007294.4(BRCA1):c.4986+4A>G

Gene: BRCA1 (BRCA1 DNA repair associated; minus strand). Cytogenetic location: 17q21.31.
Variant type: single nucleotide variant.
Coding change: c.4986+4A>G on transcript NM_007294.4 (MANE Select); 4 bases into the intron after coding-DNA position 4986, A replaced by G.
Molecular consequence: intron variant.
Genome position (GRCh38, 1-based): chr17:43,070,924, T>C on the plus strand (A>G on the coding strand, the complement: BRCA1 is on the minus strand). VCF-style: chr17-43070924-T-C. GRCh37 (hg19) VCF-style: chr17-41222941-T-C.
Other names: c.4605+4A>G (NM_001407959.1); c.4719+4A>G (NM_001407931.1, NM_001407932.1, NM_001407928.1 and 4 more transcripts); c.4842+4A>G (NM_001407747.1, NM_001407745.1, NM_001407737.1 and 21 more transcripts); c.4602+4A>G (NM_001407962.1, NM_001407960.1); c.1173+4A>G (NM_001408512.1); c.1296+4A>G (NM_001408510.1); c.4776+4A>G (NM_001407885.1, NM_001407886.1, NM_001407881.1 and 5 more transcripts); c.1530+4A>G (NM_001408470.1, NM_001408469.1, NM_001408468.1); and 71 more.
Identifiers: ClinVar variation 246100 (VCV000246100.6), dbSNP rs80358087, ClinGen allele CA10584550.

ClinVar aggregate classification (germline): Likely pathogenic (1 of 4 stars; one submission).

Submissions (2):

GeneDx
Classification: Likely pathogenic. Last evaluated: 2018-02-21. Review status: criteria provided, single submitter. Criteria: GeneDx Variant Classification (06012015). Collection method: clinical testing. Allele origin: germline. Affected: yes.
Comment: This variant is denoted BRCA1 c.4986+4A>G or IVS15+4A>G and consists of an A>G nucleotide substitution at the +4 position of intron 15 of the BRCA1 gene. Using alternate nomenclature, this variant has been previously published as BRCA1 c.5105+4A>G and IVS16+4A>G. This variant was observed in a family with a strong history of breast cancer and was shown by an in vitro RT-PCR assay to cause an incorporation of 65 additional bases on the 5' end of the intron (Wappenschmidt 2012). In-silico analysis, which includes splice predictors and evolutionary conservation, supports a deleterious effect; however, in the absence of RNA or functional studies, the actual effect of this variant is unknown. This variant was not observed in large population cohorts (Lek 2016). Based on currently available evidence, we consider BRCA1 c.4986+4A>G to be a likely pathogenic variant.

Brotman Baty Institute, University of Washington
No classification provided (evidence only). Condition: Breast-ovarian cancer, familial 1. Review status: no classification provided. Collection method: in vitro. Allele origin: not applicable. Functional consequence: functionally_abnormal. Not counted in ClinVar's aggregate classification.
ClinVar note: "not provided" was previously submitted as the classification for the variant. However, the classification appeared to be based only on an observation of functional data so it was converted to no classification on 2025-07-30.